The following is an entry in ClinVar:

NM_000533.5(PLP1):c.342C>G (p.Ser114Arg)

Genes: RAB9B (RAB9B, member RAS oncogene family; minus strand), PLP1 (proteolipid protein 1; plus strand). Cytogenetic location: Xq22.2.
Variant type: single nucleotide variant.
Coding change: c.342C>G on transcript NM_000533.5 (MANE Select); coding-DNA position 342, C replaced by G.
Protein change: p.Ser114Arg; replaces serine 114 with arginine.
Molecular consequence: missense variant.
Genome position (GRCh38, 1-based): chrX:103,786,615, C>G. VCF-style: chrX-103786615-C-G. GRCh37 (hg19) VCF-style: chrX-103041544-C-G.
Other names: c.342C>G, p.Ser114Arg (NM_001128834.3, NM_199478.3); c.177C>G, p.Ser59Arg (NM_001305004.1); short protein forms S114R, S59R.
Identifiers: ClinVar variation 4976236 (VCV004976236.1).

ClinVar aggregate classification (germline): Uncertain significance (1 of 4 stars; one submission).

gnomAD v4.1: 4 of 1,209,570 alleles (0.00033%); highest among the groups gnomAD compares: Non-Finnish European, 0.00045%; no homozygotes.

Submission:

GeneDx
Classification: Uncertain significance. Last evaluated: 2026-03-13. Review status: criteria provided, single submitter. Criteria: GeneDx Variant Classification Process June 2021. Collection method: clinical testing. Allele origin: germline.
Comment: Not observed at significant frequency in large population cohorts (gnomAD); Missense variants in this gene are often considered pathogenic (HGMD); In silico analysis supports that this missense variant has a deleterious effect on protein structure/function; Has not been previously published as pathogenic or benign to our knowledge